The following is an entry in ClinVar:

NM_001031710.3(KLHL7):c.990A>C (p.Ala330=)

Gene: KLHL7 (kelch like family member 7; plus strand). Cytogenetic location: 7p15.3.
Variant type: single nucleotide variant.
Coding change: c.990A>C on transcript NM_001031710.3 (MANE Select); coding-DNA position 990, A replaced by C.
Protein change: p.Ala330=; no amino-acid change (alanine 330 retained).
Molecular consequence: synonymous variant. On other transcripts: non-coding transcript variant (1).
Genome position (GRCh38, 1-based): chr7:23,165,751, A>C. VCF-style: chr7-23165751-A-C. GRCh37 (hg19) VCF-style: chr7-23205370-A-C.
Other names: c.846A>C, p.Ala282= (NM_018846.5).
Identifiers: ClinVar variation 3030985 (VCV003030985.2), dbSNP rs979725863, ClinGen allele CA155256008.

ClinVar aggregate classification (germline): Likely benign (0 of 4 stars; one submission).

Conditions:
KLHL7-related disorder. Also called: KLHL7-related disorders; KLHL7-related condition.

Allele frequency attached by ClinVar (database versions not stated): gnomAD 0.00001.
gnomAD v4.1: 11 of 1,614,064 alleles (0.00068%); highest among the groups gnomAD compares: African/African-American, 0.0013%; no homozygotes.

Submission:

PreventionGenetics, part of Exact Sciences
Classification: Likely benign for KLHL7-related condition. Last evaluated: 2021-03-23. Review status: no assertion criteria provided. Collection method: clinical testing. Allele origin: germline.
Comment: This variant is classified as likely benign based on ACMG/AMP sequence variant interpretation guidelines (Richards et al. 2015 PMID: 25741868, with internal and published modifications).